The following is an entry in ClinVar:

ClinVar aggregate classification (germline): Uncertain significance (1 of 4 stars; one submission).

Allele frequency attached by ClinVar (database versions not stated): gnomAD exomes below 0.00001 and 0.00001; gnomAD 0.00001 and 0.00003; TOPMed 0.00002; 1000 Genomes Project 0.00040; ExAC 0.00002; 1000 Genomes Project 30x 0.00031.
gnomAD v4.1: 7 of 1,614,012 alleles (0.00043%); highest among the groups gnomAD compares: East Asian, 0.0089%; no homozygotes.

Submission:

Labcorp Genetics (formerly Invitae), Labcorp
Classification: Uncertain significance. Last evaluated: 2025-12-10. Review status: criteria provided, single submitter. Criteria: Invitae Variant Classification Sherloc (09022015). Collection method: clinical testing. Allele origin: germline.
Comment: This sequence change replaces isoleucine, which is neutral and non-polar, with valine, which is neutral and non-polar, at codon 784 of the EMC1 protein (p.Ile784Val). This variant is present in population databases (rs540813358, gnomAD 0.01%). This variant has not been reported in the literature in individuals affected with EMC1-related conditions. ClinVar contains an entry for this variant (Variation ID: 1356471). Invitae Evidence Modeling of protein sequence and biophysical properties (such as structural, functional, and spatial information, amino acid conservation, physicochemical variation, residue mobility, and thermodynamic stability) indicates that this missense variant is not expected to disrupt EMC1 protein function with a negative predictive value of 80%. In summary, the available evidence is currently insufficient to determine the role of this variant in disease. Therefore, it has been classified as a Variant of Uncertain Significance.

NM_015047.3(EMC1):c.2350A>G (p.Ile784Val)

Genes: EMC1 (ER membrane protein complex subunit 1; minus strand), EMC1-AS1 (EMC1 antisense RNA 1; plus strand). Cytogenetic location: 1p36.13.
Variant type: single nucleotide variant.
Coding change: c.2350A>G on transcript NM_015047.3 (MANE Select); coding-DNA position 2350, A replaced by G.
Protein change: p.Ile784Val; replaces isoleucine 784 with valine.
Molecular consequence: missense variant.
Genome position (GRCh38, 1-based): chr1:19,223,422, T>C on the plus strand (A>G on the coding strand, the complement: EMC1 is on the minus strand). VCF-style: chr1-19223422-T-C. GRCh37 (hg19) VCF-style: chr1-19549916-T-C.
Other names: c.2347A>G, p.Ile783Val (NM_001271427.2, NM_001271428.2); c.2284A>G, p.Ile762Val (NM_001271429.2); c.2359A>G, p.Ile787Val (NM_001375820.1); c.2356A>G, p.Ile786Val (NM_001375821.1); short protein forms I762V, I786V, I787V, I784V, I783V.
Identifiers: ClinVar variation 1356471 (VCV001356471.8), dbSNP rs540813358, ClinGen allele CA652318.